The following is an entry in ClinVar:

ClinVar aggregate classification (germline): Uncertain significance (1 of 4 stars; one submission).

Submission:

Labcorp Genetics (formerly Invitae), Labcorp
Classification: Uncertain significance. Last evaluated: 2021-10-17. Review status: criteria provided, single submitter. Criteria: Invitae Variant Classification Sherloc (09022015). Collection method: clinical testing. Allele origin: germline.
Comment: This sequence change replaces methionine with lysine at codon 256 of the DARS protein (p.Met256Lys). The methionine residue is highly conserved and there is a moderate physicochemical difference between methionine and lysine. In summary, the available evidence is currently insufficient to determine the role of this variant in disease. Therefore, it has been classified as a Variant of Uncertain Significance. This variant disrupts the p.Met256 amino acid residue in DARS. Other variant(s) that disrupt this residue have been determined to be pathogenic (PMID: 23643384). This suggests that this residue is clinically significant, and that variants that disrupt this residue are likely to be disease-causing. Algorithms developed to predict the effect of missense changes on protein structure and function are either unavailable or do not agree on the potential impact of this missense change (SIFT: "Deleterious"; PolyPhen-2: "Probably Damaging"; Align-GVGD: "Class C0"). This variant has not been reported in the literature in individuals affected with DARS-related conditions. This variant is not present in population databases (ExAC no frequency).

Literature cited by the submitters: PubMed 23643384.

NM_001349.4(DARS1):c.767T>A (p.Met256Lys)

Gene: DARS1 (aspartyl-tRNA synthetase 1; minus strand). Cytogenetic location: 2q21.3.
Variant type: single nucleotide variant.
Coding change: c.767T>A on transcript NM_001349.4 (MANE Select); coding-DNA position 767, T replaced by A.
Protein change: p.Met256Lys; replaces methionine 256 with lysine.
Molecular consequence: missense variant.
Genome position (GRCh38, 1-based): chr2:135,922,828, A>T on the plus strand (T>A on the coding strand, the complement: DARS1 is on the minus strand). VCF-style: chr2-135922828-A-T. GRCh37 (hg19) VCF-style: chr2-136680398-A-T.
Other names: c.467T>A, p.Met156Lys (NM_001293312.1); short protein forms M156K, M256K.
Identifiers: ClinVar variation 1682556 (VCV001682556.6), dbSNP rs1215736567, ClinGen allele CA348651328.
Genomic context (GRCh38, chr2:135,922,828, plus strand): 5'-ACTGCCAAAATCTTACCTGGTCCAATAGAGAAAACCTTCTCAAAATCAGCACAAATGCAC[A>T]TTTGCTTATATAGCTGTGGGGACTGAGCCAGGTATGCATTATTTTTAAAATATGACACAG-3'
Protein context (NP_001340.2, residues 246-266): LAQSPQLYKQ[Met256Lys]CICADFEKVF